The following is an entry in ClinVar:

ClinVar aggregate classification (germline): Uncertain significance. Review status: criteria provided, multiple submitters, no conflicts (2 of 4 stars). 2 submissions from 2 submitters: Uncertain significance (2). Last evaluated 2025-08-04.

Conditions:
Inborn genetic diseases. Identifiers: MedGen C0950123, MeSH D030342.
Vici syndrome (VICIS). Identifiers: Orphanet 1493, MedGen C1855772, MONDO:0009452, OMIM 242840.

Allele frequency attached by ClinVar (database versions not stated): gnomAD exomes 0.00002 and 0.00003; ExAC 0.00003; gnomAD 0.00006; TOPMed 0.00006; 1000 Genomes Project 0.00020; 1000 Genomes Project 30x 0.00062.
gnomAD v4.1: 18 of 1,613,874 alleles (0.0011%); highest among the groups gnomAD compares: Admixed American, 0.03%; no homozygotes.

Submissions (2):

Labcorp Genetics (formerly Invitae), Labcorp
Classification: Uncertain significance for Vici syndrome. Last evaluated: 2025-08-04. Review status: criteria provided, single submitter. Criteria: Invitae Variant Classification Sherloc (09022015). Collection method: clinical testing. Allele origin: germline.
Comment: This sequence change replaces aspartic acid, which is acidic and polar, with asparagine, which is neutral and polar, at codon 2576 of the EPG5 protein (p.Asp2576Asn). This variant is present in population databases (rs200967600, gnomAD 0.02%). This variant has not been reported in the literature in individuals affected with EPG5-related conditions. ClinVar contains an entry for this variant (Variation ID: 1473636). Invitae Evidence Modeling of protein sequence and biophysical properties (such as structural, functional, and spatial information, amino acid conservation, physicochemical variation, residue mobility, and thermodynamic stability) indicates that this missense variant is not expected to disrupt EPG5 protein function with a negative predictive value of 80%. In summary, the available evidence is currently insufficient to determine the role of this variant in disease. Therefore, it has been classified as a Variant of Uncertain Significance.

Ambry Genetics
Classification: Uncertain significance for Inborn genetic diseases. Last evaluated: 2022-09-28. Review status: criteria provided, single submitter. Criteria: Ambry Variant Classification Scheme 2023. Collection method: clinical testing. Allele origin: germline.

NM_020964.3(EPG5):c.7726G>A (p.Asp2576Asn)

Gene: EPG5 (ectopic P-granules 5 autophagy tethering factor; minus strand). Cytogenetic location: 18q12.3.
Variant type: single nucleotide variant.
Coding change: c.7726G>A on transcript NM_020964.3 (MANE Select); coding-DNA position 7726, G replaced by A.
Protein change: p.Asp2576Asn; replaces aspartic acid 2576 with asparagine.
Molecular consequence: missense variant.
Genome position (GRCh38, 1-based): chr18:45,852,481, C>T on the plus strand (G>A on the coding strand, the complement: EPG5 is on the minus strand). VCF-style: chr18-45852481-C-T. GRCh37 (hg19) VCF-style: chr18-43432446-C-T.
Other names: c.7726G>A (NM_020964.2); short protein forms D2576N.
Identifiers: ClinVar variation 1473636 (VCV001473636.9), dbSNP rs200967600, ClinGen allele CA8947932.
Genomic context (GRCh38, chr18:45,852,481, plus strand): 5'-ATGTAAACATAAACAGCAATGGGTTTTTCAAGAGCCTCAGTGTTAACTATCGTATGTGGT[C>T]CAAATAATGCACTTCTGGATACAGACAGTTAACGAGAAGAGCCAAGAAGCTTTTCCCATC-3'
Protein context (NP_066015.2, residues 2566-2579): NCLYPEVHYL[Asp2576Asn]HIR